The following is an entry in ClinVar:

NM_002047.4(GARS1):c.1531G>C (p.Asp511His)

Gene: GARS1 (glycyl-tRNA synthetase 1; plus strand). Cytogenetic location: 7p14.3.
Variant type: single nucleotide variant.
Coding change: c.1531G>C on transcript NM_002047.4 (MANE Select); coding-DNA position 1531, G replaced by C.
Protein change: p.Asp511His; replaces aspartic acid 511 with histidine.
Molecular consequence: missense variant.
Genome position (GRCh38, 1-based): chr7:30,622,380, G>C. VCF-style: chr7-30622380-G-C. GRCh37 (hg19) VCF-style: chr7-30661996-G-C.
Other names: c.1369G>C, p.Asp457His (NM_001316772.1); short protein forms D457H, D511H.
Identifiers: ClinVar variation 2132489 (VCV002132489.4), dbSNP rs1783030032, ClinGen allele CA367128835.

ClinVar aggregate classification (germline): Uncertain significance (1 of 4 stars; one submission).

Conditions:
Charcot-Marie-Tooth disease type 2. Also called: Charcot-Marie-Tooth type 2. Identifiers: Orphanet 64746, MedGen C0270914, MONDO:0018993.

Submission:

Labcorp Genetics (formerly Invitae), Labcorp
Classification: Uncertain significance for Charcot-Marie-Tooth disease type 2. Last evaluated: 2024-06-04. Review status: criteria provided, single submitter. Criteria: Invitae Variant Classification Sherloc (09022015). Collection method: clinical testing. Allele origin: germline.
Comment: This sequence change replaces aspartic acid, which is acidic and polar, with histidine, which is basic and polar, at codon 511 of the GARS protein (p.Asp511His). This variant is not present in population databases (gnomAD no frequency). This variant has not been reported in the literature in individuals affected with GARS-related conditions. ClinVar contains an entry for this variant (Variation ID: 2132489). Advanced modeling of protein sequence and biophysical properties (such as structural, functional, and spatial information, amino acid conservation, physicochemical variation, residue mobility, and thermodynamic stability) performed at Invitae indicates that this missense variant is not expected to disrupt GARS protein function with a negative predictive value of 80%. In summary, the available evidence is currently insufficient to determine the role of this variant in disease. Therefore, it has been classified as a Variant of Uncertain Significance.